The following is an entry in ClinVar:

NM_004991.4(MECOM):c.3040C>A (p.His1014Asn)

Gene: MECOM (MDS1 and EVI1 complex locus; minus strand). Cytogenetic location: 3q26.2.
Variant type: single nucleotide variant.
Coding change: c.3040C>A on transcript NM_004991.4 (MANE Select); coding-DNA position 3040, C replaced by A.
Protein change: p.His1014Asn; replaces histidine 1014 with asparagine.
Molecular consequence: missense variant.
Genome position (GRCh38, 1-based): chr3:169,093,082, G>T on the plus strand (C>A on the coding strand, the complement: MECOM is on the minus strand). VCF-style: chr3-169093082-G-T. GRCh37 (hg19) VCF-style: chr3-168810870-G-T.
Other names: c.2671C>A, p.His891Asn (NM_001105077.4); c.2476C>A, p.His826Asn (NM_001105078.4, NM_001205194.2, NM_001366469.2 and 1 more transcripts); c.2452C>A, p.His818Asn (NM_001163999.2, NM_001366470.2); c.2449C>A, p.His817Asn (NM_001164000.2, NM_001366471.2, NM_001366472.2); c.3013C>A, p.His1005Asn (NM_001366466.2); c.2479C>A, p.His827Asn (NM_001366467.2, NM_001366468.2); c.2041C>A, p.His681Asn (NM_001366473.2); c.1477C>A, p.His493Asn (NM_001366474.2); short protein forms H1014N, H827N, H1005N, H493N, H817N, H818N, H891N, H681N.
Identifiers: ClinVar variation 4729060 (VCV004729060.1).

ClinVar aggregate classification (germline): Uncertain significance (1 of 4 stars; one submission).

Submission:

Labcorp Genetics (formerly Invitae), Labcorp
Classification: Uncertain significance. Last evaluated: 2025-10-12. Review status: criteria provided, single submitter. Criteria: Invitae Variant Classification Sherloc (09022015). Collection method: clinical testing. Allele origin: germline.
Comment: This sequence change replaces histidine, which is basic and polar, with asparagine, which is neutral and polar, at codon 826 of the MECOM protein (p.His826Asn). This variant is not present in population databases (gnomAD no frequency). This variant has not been reported in the literature in individuals affected with MECOM-related conditions. An algorithm developed to predict the effect of missense changes on protein structure and function (PolyPhen-2) suggests that this variant is likely to be disruptive. In summary, the available evidence is currently insufficient to determine the role of this variant in disease. Therefore, it has been classified as a Variant of Uncertain Significance.